The following is an entry in ClinVar:

NM_015896.4(ZMYND10):c.877C>T (p.Arg293Trp)

Gene: ZMYND10 (zinc finger MYND-type containing 10; minus strand). Cytogenetic location: 3p21.31.
Variant type: single nucleotide variant.
Coding change: c.877C>T on transcript NM_015896.4 (MANE Select); coding-DNA position 877, C replaced by T.
Protein change: p.Arg293Trp; replaces arginine 293 with tryptophan.
Molecular consequence: missense variant.
Genome position (GRCh38, 1-based): chr3:50,342,137, G>A on the plus strand (C>T on the coding strand, the complement: ZMYND10 is on the minus strand). VCF-style: chr3-50342137-G-A. GRCh37 (hg19) VCF-style: chr3-50379568-G-A.
Other names: c.862C>T, p.Arg288Trp (NM_001308379.2); short protein forms R288W, R293W.
Identifiers: ClinVar variation 2062467 (VCV002062467.5), dbSNP rs371047847, ClinGen allele CA2417048.

ClinVar aggregate classification (germline): Uncertain significance. Review status: criteria provided, multiple submitters, no conflicts (2 of 4 stars). 2 submissions from 2 submitters: Uncertain significance (2). Last evaluated 2025-12-27.

Conditions:
Inborn genetic diseases. Identifiers: MedGen C0950123, MeSH D030342.
Primary ciliary dyskinesia. Also called: Ciliary dyskinesia. Identifiers: Orphanet 244, MedGen C0008780, MONDO:0016575, HP:0012265.

Allele frequency attached by ClinVar (database versions not stated): ExAC 0.00003; gnomAD 0.00004; TOPMed 0.00004; 1000 Genomes Project 30x 0.00016; 1000 Genomes Project 0.00020.
gnomAD v4.1: 41 of 1,609,970 alleles (0.0025%); highest among the groups gnomAD compares: Admixed American, 0.01%; no homozygotes.

Submissions (2):

Labcorp Genetics (formerly Invitae), Labcorp
Classification: Uncertain significance for Primary ciliary dyskinesia. Last evaluated: 2025-12-27. Review status: criteria provided, single submitter. Criteria: Invitae Variant Classification Sherloc (09022015). Collection method: clinical testing. Allele origin: germline.
Comment: This sequence change replaces arginine, which is basic and polar, with tryptophan, which is neutral and slightly polar, at codon 293 of the ZMYND10 protein (p.Arg293Trp). This variant is present in population databases (rs371047847, gnomAD 0.01%). This variant has not been reported in the literature in individuals affected with ZMYND10-related conditions. ClinVar contains an entry for this variant (Variation ID: 2062467). Invitae Evidence Modeling of protein sequence and biophysical properties (such as structural, functional, and spatial information, amino acid conservation, physicochemical variation, residue mobility, and thermodynamic stability) indicates that this missense variant is expected to disrupt ZMYND10 protein function with a positive predictive value of 80%. Algorithms developed to predict the effect of sequence changes on RNA splicing suggest that this variant may create or strengthen a splice site. In summary, the available evidence is currently insufficient to determine the role of this variant in disease. Therefore, it has been classified as a Variant of Uncertain Significance.

Ambry Genetics
Classification: Uncertain significance for Inborn genetic diseases. Last evaluated: 2021-08-02. Review status: criteria provided, single submitter. Criteria: Ambry Variant Classification Scheme 2023. Collection method: clinical testing. Allele origin: germline.